The following is an entry in ClinVar:

ClinVar aggregate classification (germline): Uncertain significance (1 of 4 stars; one submission).

Conditions:
Hereditary cancer-predisposing syndrome. Also called: Tumor predisposition; Hereditary Cancer Syndrome; Hereditary neoplastic syndrome; Neoplastic Syndromes, Hereditary. Identifiers: Orphanet 140162, MedGen C0027672, MeSH D009386, MONDO:0015356.

Submission:

Ambry Genetics
Classification: Uncertain significance for Hereditary cancer-predisposing syndrome. Last evaluated: 2024-04-20. Review status: criteria provided, single submitter. Criteria: Ambry Variant Classification Scheme 2023. Collection method: clinical testing. Allele origin: germline.
Comment: The p.E304A variant (also known as c.911A>C), located in coding exon 9 of the EPCAM gene, results from an A to C substitution at nucleotide position 911. The glutamic acid at codon 304 is replaced by alanine, an amino acid with dissimilar properties. This amino acid position is conserved. In addition, the in silico prediction for this alteration is inconclusive. Based on the available evidence, the clinical significance of this variant remains unclear.

NM_002354.3(EPCAM):c.911A>C (p.Glu304Ala)

Gene: EPCAM (epithelial cell adhesion molecule; plus strand). Cytogenetic location: 2p21.
Variant type: single nucleotide variant.
Coding change: c.911A>C on transcript NM_002354.3 (MANE Select); coding-DNA position 911, A replaced by C.
Protein change: p.Glu304Ala; replaces glutamic acid 304 with alanine.
Molecular consequence: missense variant.
Genome position (GRCh38, 1-based): chr2:47,386,579, A>C. VCF-style: chr2-47386579-A-C. GRCh37 (hg19) VCF-style: chr2-47613718-A-C.
Other names: short protein forms E304A.
Identifiers: ClinVar variation 3275838 (VCV003275838.1).